The following is an entry in ClinVar:

NM_031475.3(ESPN):c.67G>A (p.Ala23Thr)

Gene: ESPN (espin; plus strand). Cytogenetic location: 1p36.31.
Variant type: single nucleotide variant.
Coding change: c.67G>A on transcript NM_031475.3 (MANE Select); coding-DNA position 67, G replaced by A.
Protein change: p.Ala23Thr; replaces alanine 23 with threonine.
Molecular consequence: missense variant.
Genome position (GRCh38, 1-based): chr1:6,425,022, G>A. VCF-style: chr1-6425022-G-A. GRCh37 (hg19) VCF-style: chr1-6485082-G-A.
Other names: c.67G>A (NM_031475.2); c.67G>A, p.Ala23Thr (NM_001367473.1, NM_001367474.1); short protein forms A23T.
Identifiers: ClinVar variation 2152197 (VCV002152197.5), dbSNP rs1274430100, ClinGen allele CA338083236.

ClinVar aggregate classification (germline): Uncertain significance. Review status: criteria provided, multiple submitters, no conflicts (2 of 4 stars). 2 submissions from 2 submitters: Uncertain significance (2). Last evaluated 2024-01-30.

Conditions:
Inborn genetic diseases. Identifiers: MedGen C0950123, MeSH D030342.

Allele frequency attached by ClinVar (database versions not stated): gnomAD 0.00001; TOPMed 0.00001; gnomAD exomes 0.00002.
gnomAD v4.1: 27 of 1,465,096 alleles (0.0018%); highest among the groups gnomAD compares: Non-Finnish European, 0.0022%; no homozygotes.

Submissions (2):

Ambry Genetics
Classification: Uncertain significance for Inborn genetic diseases. Last evaluated: 2024-01-30. Review status: criteria provided, single submitter. Criteria: Ambry Variant Classification Scheme 2023. Collection method: clinical testing. Allele origin: germline.

Labcorp Genetics (formerly Invitae), Labcorp
Classification: Uncertain significance. Last evaluated: 2022-01-03. Review status: criteria provided, single submitter. Criteria: Invitae Variant Classification Sherloc (09022015). Collection method: clinical testing. Allele origin: germline.
Comment: In summary, the available evidence is currently insufficient to determine the role of this variant in disease. Therefore, it has been classified as a Variant of Uncertain Significance. Algorithms developed to predict the effect of missense changes on protein structure and function output the following: SIFT: "Tolerated"; PolyPhen-2: "Benign"; Align-GVGD: "Class C0". The threonine amino acid residue is found in multiple mammalian species, which suggests that this missense change does not adversely affect protein function. This variant has not been reported in the literature in individuals affected with ESPN-related conditions. This variant is not present in population databases (gnomAD no frequency). This sequence change replaces alanine, which is neutral and non-polar, with threonine, which is neutral and polar, at codon 23 of the ESPN protein (p.Ala23Thr).